The following is an entry in ClinVar:

ClinVar aggregate classification (germline): Uncertain significance (1 of 4 stars; one submission).

Allele frequency attached by ClinVar (database versions not stated): gnomAD exomes below 0.00001.

Submission:

Labcorp Genetics (formerly Invitae), Labcorp
Classification: Uncertain significance. Last evaluated: 2023-12-07. Review status: criteria provided, single submitter. Criteria: Invitae Variant Classification Sherloc (09022015). Collection method: clinical testing. Allele origin: germline.
Comment: This sequence change replaces arginine, which is basic and polar, with lysine, which is basic and polar, at codon 321 of the CCDC88A protein (p.Arg321Lys). This variant is not present in population databases (gnomAD no frequency). This variant has not been reported in the literature in individuals affected with CCDC88A-related conditions. ClinVar contains an entry for this variant (Variation ID: 1412768). An algorithm developed to predict the effect of missense changes on protein structure and function (PolyPhen-2) suggests that this variant is likely to be tolerated. In summary, the available evidence is currently insufficient to determine the role of this variant in disease. Therefore, it has been classified as a Variant of Uncertain Significance.

NM_001365480.1(CCDC88A):c.962G>A (p.Arg321Lys)

Gene: CCDC88A (coiled-coil and HOOK domain protein 88A; minus strand). Cytogenetic location: 2p16.1.
Variant type: single nucleotide variant.
Coding change: c.962G>A on transcript NM_001365480.1 (MANE Select); coding-DNA position 962, G replaced by A.
Protein change: p.Arg321Lys; replaces arginine 321 with lysine.
Molecular consequence: missense variant.
Genome position (GRCh38, 1-based): chr2:55,346,254, C>T on the plus strand (G>A on the coding strand, the complement: CCDC88A is on the minus strand). VCF-style: chr2-55346254-C-T. GRCh37 (hg19) VCF-style: chr2-55573390-C-T.
Other names: c.962G>A, p.Arg321Lys (NM_001135597.2, NM_001254943.2, NM_018084.5); short protein forms R321K.
Identifiers: ClinVar variation 1412768 (VCV001412768.6), dbSNP rs2104730104, ClinGen allele CA346907015.